The following is an entry in ClinVar:

NM_021008.4(DEAF1):c.852C>G (p.Cys284Trp)

Gene: DEAF1 (DEAF1 transcription factor; minus strand). Cytogenetic location: 11p15.5.
Variant type: single nucleotide variant.
Coding change: c.852C>G on transcript NM_021008.4 (MANE Select); coding-DNA position 852, C replaced by G.
Protein change: p.Cys284Trp; replaces cysteine 284 with tryptophan.
Molecular consequence: missense variant.
Genome position (GRCh38, 1-based): chr11:684,916, G>C on the plus strand (C>G on the coding strand, the complement: DEAF1 is on the minus strand). VCF-style: chr11-684916-G-C. GRCh37 (hg19) VCF-style: chr11-684916-G-C.
Other names: c.712C>G, p.Leu238Val (NM_001293634.2); c.126C>G, p.Cys42Trp (NM_001367390.1, NM_001440885.1, NM_001440886.1 and 1 more transcripts); c.852C>G, p.Cys284Trp (NM_001440883.1, NM_001440884.1); short protein forms C284W, C42W, L238V.
Identifiers: ClinVar variation 4535330 (VCV004535330.6).

ClinVar aggregate classification (germline): Likely pathogenic (1 of 4 stars; one submission).

Submission:

CeGaT Center for Human Genetics Tuebingen
Classification: Likely pathogenic. Last evaluated: 2025-11-01. Review status: criteria provided, single submitter. Criteria: CeGaT Center For Human Genetics Tuebingen Variant Classification Criteria Version 2. Collection method: clinical testing. Allele origin: germline. Affected: yes. Observed: 1 variant allele.
Comment: DEAF1: PM2, PM5, PS2:Moderate